The following is an entry in ClinVar:

NM_007294.4(BRCA1):c.2219_2220insTAAT (p.Ser741fs)

Gene: BRCA1 (BRCA1 DNA repair associated; minus strand). Cytogenetic location: 17q21.31.
Variant type: Insertion.
Coding change: c.2219_2220insTAAT on transcript NM_007294.4 (MANE Select); coding-DNA positions 2219 to 2220, TAAT inserted.
Protein change: p.Ser741fs; shifts the reading frame from serine 741.
Molecular consequence: frameshift variant. On other transcripts: intron variant (137).
Genome position: GRCh38 VCF-style: chr17-43093311-C-CATTA. GRCh37 (hg19) VCF-style: chr17-41245328-C-CATTA.
Other names: c.2006_2007insTAAT, p.Ser670fs (NM_001407571.1, NM_001407853.1, NM_001407894.1 and 9 more transcripts); c.2219_2220insTAAT, p.Ser741fs (NM_001407581.1, NM_001407582.1, NM_001407583.1 and 30 more transcripts); c.2216_2217insTAAT, p.Ser740fs (NM_001407587.1, NM_001407590.1, NM_001407591.1 and 22 more transcripts); c.2210_2211insTAAT, p.Ser738fs (NM_001407646.1, NM_001407647.1); c.2096_2097insTAAT, p.Ser700fs (NM_001407648.1, NM_001407664.1, NM_001407665.1 and 19 more transcripts); c.2093_2094insTAAT, p.Ser699fs (NM_001407649.1, NM_001407670.1, NM_001407671.1 and 11 more transcripts); c.2141_2142insTAAT, p.Ser715fs (NM_001407653.1, NM_001407654.1, NM_001407655.1 and 4 more transcripts); c.2138_2139insTAAT, p.Ser714fs (NM_001407659.1, NM_001407660.1, NM_001407661.1 and 1 more transcripts); and 41 more; short protein forms S694fs, S741fs, S630fs, S673fs, S700fs, S738fs, S740fs, S445fs.
Identifiers: ClinVar variation 1076672 (VCV001076672.8), dbSNP rs2154391568, ClinGen allele CA2499224516.

ClinVar aggregate classification (germline): Pathogenic (1 of 4 stars; one submission).

Conditions:
Hereditary breast ovarian cancer syndrome. Also called: Hereditary breast and ovarian cancer; Breast and ovarian cancer; BRCA1- and BRCA2-Associated Hereditary Breast and Ovarian Cancer; Hereditary breast and/or ovarian cancer syndrome; Hereditary breast and ovarian cancer syndrome; Hereditary breast and ovarian cancer syndrome (HBOC). Identifiers: Orphanet 145, MedGen C0677776, MeSH D061325, MONDO:0003582. Disease mechanism: loss of function.

Submission:

Labcorp Genetics (formerly Invitae), Labcorp
Classification: Pathogenic for Hereditary breast ovarian cancer syndrome. Last evaluated: 2020-03-01. Review status: criteria provided, single submitter. Criteria: Invitae Variant Classification Sherloc (09022015). Collection method: clinical testing. Allele origin: germline.
Comment: This sequence change creates a premature translational stop signal (p.Ser741Asnfs*3) in the BRCA1 gene. It is expected to result in an absent or disrupted protein product. This variant is not present in population databases (ExAC no frequency). This variant has not been reported in the literature in individuals with BRCA1-related conditions. Loss-of-function variants in BRCA1 are known to be pathogenic (PMID: 20104584). For these reasons, this variant has been classified as Pathogenic.

Literature cited by the submitters: PubMed 20104584.